The following is an entry in ClinVar:

NM_000384.3(APOB):c.1471G>A (p.Val491Ile)

Gene: APOB (apolipoprotein B; minus strand). Cytogenetic location: 2p24.1.
Variant type: single nucleotide variant.
Coding change: c.1471G>A on transcript NM_000384.3 (MANE Select); coding-DNA position 1471, G replaced by A.
Protein change: p.Val491Ile; replaces valine 491 with isoleucine.
Molecular consequence: missense variant.
Genome position (GRCh38, 1-based): chr2:21,029,785, C>T on the plus strand (G>A on the coding strand, the complement: APOB is on the minus strand). VCF-style: chr2-21029785-C-T. GRCh37 (hg19) VCF-style: chr2-21252657-C-T.
Other names: short protein forms V491I.
Identifiers: ClinVar variation 1773369 (VCV001773369.3), dbSNP rs775057058, ClinGen allele CA053807.
Genomic context (GRCh38, chr2:21,029,785, plus strand): 5'-GGATTGAAGACTTGAGTTCTGGAGTTAACTGCTCCATGGTTTGGCCCATATTTCCAATGA[C>T]CTGCATTGAAGAAAAGAAACAAGAACCCATCAGGGTGCAGGAGAGGGAAGTAAAAGGTGT-3'
Protein context (NP_000375.3, residues 481-501): DEDYTYLILR[Val491Ile]IGNMGQTMEQ

ClinVar aggregate classification (germline): Uncertain significance. Review status: criteria provided, multiple submitters, no conflicts (2 of 4 stars). 2 submissions from 2 submitters: Uncertain significance (2). Last evaluated 2025-10-22.

Conditions:
Familial hypobetalipoproteinemia 1. Also called: Hypobetalipoproteinemia, normotriglyceridemic; Acanthocytosis with hypobetalipoproteinemia; APOB-Related Familial Hypobetalipoproteinemia. Identifiers: MedGen C4551990, MONDO:0014252, OMIM 615558.
Hypercholesterolemia, autosomal dominant, type B (FHCL2). Also called: Familial Hypercholesterolemia Type B; APOLIPOPROTEIN B-100, FAMILIAL DEFECTIVE; APOLIPOPROTEIN B-100, FAMILIAL LIGAND-DEFECTIVE; HYPERCHOLESTEROLEMIA, FAMILIAL, DUE TO LIGAND-DEFECTIVE APOLIPOPROTEIN B; Familial hypercholesterolemia 2; APOB-Related Familial Hypercholesterolemia, Autosomal Dominant. Identifiers: MedGen C1704417, MONDO:0007751, OMIM 144010.
Cardiovascular phenotype. Identifiers: MedGen CN230736.

gnomAD v4.1: 1 of 1,614,002 alleles (0.000062%); highest among the groups gnomAD compares: Non-Finnish European, 0.000085%; no homozygotes.

Submissions (2):

Labcorp Genetics (formerly Invitae), Labcorp
Classification: Uncertain significance for Familial hypobetalipoproteinemia 1; Hypercholesterolemia, autosomal dominant, type B. Last evaluated: 2025-10-22. Review status: criteria provided, single submitter. Criteria: Invitae Variant Classification Sherloc (09022015). Collection method: clinical testing. Allele origin: germline.
Comment: This sequence change replaces valine, which is neutral and non-polar, with isoleucine, which is neutral and non-polar, at codon 491 of the APOB protein (p.Val491Ile). This variant is present in population databases (rs775057058, gnomAD 0.0009%). This variant has not been reported in the literature in individuals affected with APOB-related conditions. ClinVar contains an entry for this variant (Variation ID: 1773369). An algorithm developed to predict the effect of missense changes on protein structure and function outputs the following: PolyPhen-2: "Possibly Damaging". The isoleucine amino acid residue is found in multiple mammalian species, which suggests that this missense change does not adversely affect protein function. In summary, the available evidence is currently insufficient to determine the role of this variant in disease. Therefore, it has been classified as a Variant of Uncertain Significance.

Ambry Genetics
Classification: Uncertain significance for Cardiovascular phenotype. Last evaluated: 2021-10-11. Review status: criteria provided, single submitter. Criteria: Ambry Variant Classification Scheme 2023. Collection method: clinical testing. Allele origin: germline.
Comment: The p.V491I variant (also known as c.1471G>A) is located in coding exon 12 of the APOB gene. The valine at codon 491 is replaced by isoleucine, an amino acid with highly similar properties. This change occurs in the first base pair of coding exon 12. This amino acid position is conserved. In addition, this alteration is predicted to be tolerated by in silico analysis. Since supporting evidence is limited at this time, the clinical significance of this alteration remains unclear.